The following is an entry in ClinVar:

NM_000059.4(BRCA2):c.1340C>T (p.Pro447Leu)

Gene: BRCA2 (BRCA2 DNA repair associated; plus strand). Cytogenetic location: 13q13.1.
Variant type: single nucleotide variant.
Coding change: c.1340C>T on transcript NM_000059.4 (MANE Select); coding-DNA position 1340, C replaced by T.
Protein change: p.Pro447Leu; replaces proline 447 with leucine.
Molecular consequence: missense variant.
Genome position (GRCh38, 1-based): chr13:32,332,818, C>T. VCF-style: chr13-32332818-C-T. GRCh37 (hg19) VCF-style: chr13-32906955-C-T.
Other names: 1568C>T; short protein forms P447L.
Identifiers: ClinVar variation 156163 (VCV000156163.30), dbSNP rs587776459, ClinGen allele CA011674.

ClinVar aggregate classification (germline): Conflicting classifications of pathogenicity. Review status: criteria provided, conflicting classifications (1 of 4 stars). 10 submissions from 10 submitters: Uncertain significance (7); Likely benign (1). 2 of the submissions do not count toward it. Last evaluated 2026-01-28.

Conditions:
BRCA2-related cancer predisposition. Identifiers: MedGen CN377758, MONDO:0700269.
Hereditary cancer-predisposing syndrome. Also called: Tumor predisposition; Neoplastic Syndromes, Hereditary; Hereditary neoplastic syndrome; Hereditary Cancer Syndrome. Identifiers: Orphanet 140162, MedGen C0027672, MeSH D009386, MONDO:0015356.
Hereditary breast ovarian cancer syndrome. Also called: Hereditary breast and ovarian cancer; Hereditary breast and ovarian cancer syndrome (HBOC); Hereditary breast and ovarian cancer syndrome; BRCA1- and BRCA2-Associated Hereditary Breast and Ovarian Cancer; Breast and ovarian cancer; Hereditary breast and/or ovarian cancer syndrome. Identifiers: Orphanet 145, MedGen C0677776, MeSH D061325, MONDO:0003582. Disease mechanism: loss of function.
Breast-ovarian cancer, familial, susceptibility to, 2 (BROVCA2). Also called: BRCA2 Hereditary Breast and Ovarian Cancer. Identifiers: Orphanet 145, MedGen C2675520, MONDO:0012933, OMIM 612555. Disease mechanism: loss of function.

Submissions (10):

Labcorp Genetics (formerly Invitae), Labcorp
Classification: Uncertain significance for Hereditary breast ovarian cancer syndrome. Last evaluated: 2026-01-28. Review status: criteria provided, single submitter. Criteria: Invitae Variant Classification Sherloc (09022015). Collection method: clinical testing. Allele origin: germline.
Comment: This sequence change replaces proline, which is neutral and non-polar, with leucine, which is neutral and non-polar, at codon 447 of the BRCA2 protein (p.Pro447Leu). This variant is not present in population databases (gnomAD no frequency). This variant has not been reported in the literature in individuals affected with BRCA2-related conditions. ClinVar contains an entry for this variant (Variation ID: 156163). Invitae Evidence Modeling of protein sequence and biophysical properties (such as structural, functional, and spatial information, amino acid conservation, physicochemical variation, residue mobility, and thermodynamic stability) indicates that this missense variant is not expected to disrupt BRCA2 protein function with a negative predictive value of 95%. In summary, the available evidence is currently insufficient to determine the role of this variant in disease. Therefore, it has been classified as a Variant of Uncertain Significance.

Color Diagnostics, LLC DBA Color Health
Classification: Uncertain significance for Hereditary cancer-predisposing syndrome. Last evaluated: 2024-08-20. Review status: criteria provided, single submitter. Criteria: ACMG Guidelines, 2015. Collection method: clinical testing. Allele origin: germline.
Comment: This missense variant replaces proline with leucine at codon 447 of the BRCA2 protein. Computational prediction suggests that this variant may not impact protein structure and function. To our knowledge, functional studies have not been performed for this variant. This variant has not been reported in individuals affected with hereditary cancer in the literature. This variant has not been identified in the general population by the Genome Aggregation Database (gnomAD). The available evidence is insufficient to determine the role of this variant in disease conclusively. Therefore, this variant is classified as a Variant of Uncertain Significance.

Ambry Genetics
Classification: Uncertain significance for Hereditary cancer-predisposing syndrome. Last evaluated: 2024-05-21. Review status: criteria provided, single submitter. Criteria: Ambry Variant Classification Scheme 2023. Collection method: clinical testing. Allele origin: germline.
Comment: The p.P447L variant (also known as c.1340C>T), located in coding exon 9 of the BRCA2 gene, results from a C to T substitution at nucleotide position 1340. The proline at codon 447 is replaced by leucine, an amino acid with similar properties. This amino acid position is not well conserved in available vertebrate species. In addition, this alteration is predicted to be tolerated by in silico analysis. Since supporting evidence is limited at this time, the clinical significance of this alteration remains unclear.

Department of Pathology and Laboratory Medicine, Sinai Health System
Classification: Uncertain significance for BRCA2-related cancer predisposition. Last evaluated: 2024-01-12. Review status: criteria provided, single submitter. Criteria: ACMG Guidelines, 2015. Collection method: clinical testing. Allele origin: germline.

University of Washington Department of Laboratory Medicine, University of Washington
Classification: Likely benign for Hereditary cancer-predisposing syndrome. Last evaluated: 2023-03-23. Review status: criteria provided, single submitter. Criteria: Dines et al. (Genet Med. 2020). Collection method: curation. Allele origin: germline.
Comment: Missense variant in a coldspot region where missense variants are very unlikely to be pathogenic (PMID:31911673).

BRCA2 exon 10 coldspot. Reclassification based on statistical prior probability.

GeneDx
Classification: Uncertain significance. Last evaluated: 2023-03-15. Review status: criteria provided, single submitter. Criteria: GeneDx Variant Classification Process June 2021. Collection method: clinical testing. Allele origin: germline. Affected: yes.
Comment: Not observed at significant frequency in large population cohorts (gnomAD); In silico analysis supports that this missense variant does not alter protein structure/function; Has not been previously published as pathogenic or benign to our knowledge; This variant is associated with the following publications: (PMID: 29884841, 32377563, 31911673)

All of Us Research Program, National Institutes of Health
Classification: Uncertain significance for Breast-ovarian cancer, familial, susceptibility to, 2. Last evaluated: 2023-02-22. Review status: criteria provided, single submitter. Criteria: ACMG Guidelines, 2015. Collection method: clinical testing. Allele origin: germline. Inheritance: Autosomal dominant inheritance. Observed: 1 variant allele, 1 heterozygote.
Comment: This missense variant replaces proline with leucine at codon 447 of the BRCA2 protein. Computational prediction suggests that this variant may not impact protein structure and function (internally defined REVEL score threshold <= 0.5, PMID: 27666373). Splice site prediction tools suggest that this variant may not impact RNA splicing. To our knowledge, functional studies have not been performed for this variant. This variant has not been reported in individuals affected with hereditary cancer in the literature. This variant has not been identified in the general population by the Genome Aggregation Database (gnomAD). The available evidence is insufficient to determine the role of this variant in disease conclusively. Therefore, this variant is classified as a Variant of Uncertain Significance.

This study involves interpretation of variants in research participants for the purpose of population health screening. Participant phenotype was not available at the time of variant classification. Additional details can be found in publication PMID: 35346344, PMCID: PMC8962531

Genetic Services Laboratory, University of Chicago
Classification: Uncertain significance. Last evaluated: 2017-03-15. Review status: criteria provided, single submitter. Criteria: ACMG Guidelines, 2015. Collection method: clinical testing. Allele origin: germline. Affected: no.

Counsyl
Classification: Uncertain significance for Breast-ovarian cancer, familial, susceptibility to, 2. Last evaluated: 2015-12-16. Review status: no assertion criteria provided. Collection method: clinical testing. Allele origin: unknown. Not counted in ClinVar's aggregate classification.

Sharing Clinical Reports Project (SCRP)
Classification: Uncertain significance for Breast-ovarian cancer, familial 2. Last evaluated: 2009-05-19. Review status: no assertion criteria provided. Collection method: clinical testing. Allele origin: germline. Not counted in ClinVar's aggregate classification.